The following is an entry in ClinVar:

ClinVar aggregate classification (germline): Uncertain significance (1 of 4 stars; one submission).

Conditions:
Episodic ataxia type 1 (EA1). Also called: Episodic ataxia/myokymia syndrome; MYOKYMIA WITH PERIODIC ATAXIA; PAROXYSMAL ATAXIA WITH NEUROMYOTONIA, HEREDITARY; ATAXIA, EPISODIC, WITH MYOKYMIA. Identifiers: Orphanet 37612, Orphanet 972, MedGen C1719788, MONDO:0008047, OMIM 160120.

Allele frequency attached by ClinVar (database versions not stated): gnomAD exomes below 0.00001; TOPMed below 0.00001.

Submission:

Labcorp Genetics (formerly Invitae), Labcorp
Classification: Uncertain significance for Episodic ataxia type 1. Last evaluated: 2022-04-22. Review status: criteria provided, single submitter. Criteria: Invitae Variant Classification Sherloc (09022015). Collection method: clinical testing. Allele origin: germline.
Comment: This variant has not been reported in the literature in individuals affected with KCNA1-related conditions. Algorithms developed to predict the effect of missense changes on protein structure and function (SIFT, PolyPhen-2, Align-GVGD) all suggest that this variant is likely to be disruptive. In summary, the available evidence is currently insufficient to determine the role of this variant in disease. Therefore, it has been classified as a Variant of Uncertain Significance. This variant is present in population databases (no rsID available, gnomAD 0.003%). This sequence change replaces proline, which is neutral and non-polar, with serine, which is neutral and polar, at codon 109 of the KCNA1 protein (p.Pro109Ser).

NM_000217.3(KCNA1):c.325C>T (p.Pro109Ser)

Gene: KCNA1 (potassium voltage-gated channel subfamily A member 1; plus strand). Cytogenetic location: 12p13.32.
Variant type: single nucleotide variant.
Coding change: c.325C>T on transcript NM_000217.3 (MANE Select); coding-DNA position 325, C replaced by T.
Protein change: p.Pro109Ser; replaces proline 109 with serine.
Molecular consequence: missense variant.
Genome position (GRCh38, 1-based): chr12:4,911,703, C>T. VCF-style: chr12-4911703-C-T. GRCh37 (hg19) VCF-style: chr12-5020869-C-T.
Other names: short protein forms P109S.
Identifiers: ClinVar variation 1936240 (VCV001936240.5), dbSNP rs1481255492, ClinGen allele CA383454300.